The following is an entry in ClinVar:

ClinVar aggregate classification (germline): Conflicting classifications of pathogenicity. Review status: criteria provided, conflicting classifications (1 of 4 stars). 3 submissions from 3 submitters: Uncertain significance (2); Likely benign (1). Last evaluated 2024-09-04.

Conditions:
Spondylodysplastic Ehlers-Danlos syndrome. Identifiers: Orphanet 536471, Orphanet 75496, MedGen C5680154, MONDO:0007526.
Inborn genetic diseases. Identifiers: MedGen C0950123, MeSH D030342.

Allele frequency attached by ClinVar (database versions not stated): gnomAD 0.00003 and 0.00002; gnomAD exomes 0.00004 and 0.00002; ExAC 0.00005; TOPMed 0.00006; ESP Exome Variant Server 0.00008.
gnomAD v4.1: 40 of 1,613,558 alleles (0.0025%); highest among the groups gnomAD compares: Admixed American, 0.0083%; 1 homozygote.

Submissions (3):

GeneDx
Classification: Uncertain significance. Last evaluated: 2024-09-04. Review status: criteria provided, single submitter. Criteria: GeneDx Variant Classification Process June 2021. Collection method: clinical testing. Allele origin: germline. Affected: yes.
Comment: Not observed at significant frequency in large population cohorts (gnomAD); In silico analysis supports that this missense variant has a deleterious effect on protein structure/function; Has not been previously published as pathogenic or benign to our knowledge

Ambry Genetics
Classification: Likely benign for Inborn genetic diseases. Last evaluated: 2022-11-18. Review status: criteria provided, single submitter. Criteria: Ambry Variant Classification Scheme 2023. Collection method: clinical testing. Allele origin: germline.

Labcorp Genetics (formerly Invitae), Labcorp
Classification: Uncertain significance for Spondylodysplastic Ehlers-Danlos syndrome. Last evaluated: 2022-09-13. Review status: criteria provided, single submitter. Criteria: Invitae Variant Classification Sherloc (09022015). Collection method: clinical testing. Allele origin: germline.
Comment: This sequence change replaces phenylalanine, which is neutral and non-polar, with cysteine, which is neutral and slightly polar, at codon 43 of the B4GALT7 protein (p.Phe43Cys). This variant is present in population databases (rs370483831, gnomAD 0.01%), including at least one homozygous and/or hemizygous individual. This variant has not been reported in the literature in individuals affected with B4GALT7-related conditions. ClinVar contains an entry for this variant (Variation ID: 1519959). Algorithms developed to predict the effect of missense changes on protein structure and function output the following: SIFT: "Tolerated"; PolyPhen-2: "Possibly Damaging"; Align-GVGD: "Class C0". The cysteine amino acid residue is found in multiple mammalian species, which suggests that this missense change does not adversely affect protein function. In summary, the available evidence is currently insufficient to determine the role of this variant in disease. Therefore, it has been classified as a Variant of Uncertain Significance.

NM_007255.3(B4GALT7):c.128T>G (p.Phe43Cys)

Gene: B4GALT7 (beta-1,4-galactosyltransferase 7; plus strand). Cytogenetic location: 5q35.3.
Variant type: single nucleotide variant.
Coding change: c.128T>G on transcript NM_007255.3 (MANE Select); coding-DNA position 128, T replaced by G.
Protein change: p.Phe43Cys; replaces phenylalanine 43 with cysteine.
Molecular consequence: missense variant.
Genome position (GRCh38, 1-based): chr5:177,604,256, T>G. VCF-style: chr5-177604256-T-G. GRCh37 (hg19) VCF-style: chr5-177031257-T-G.
Other names: c.128T>G (NM_007255.2); short protein forms F43C.
Identifiers: ClinVar variation 1519959 (VCV001519959.5), dbSNP rs370483831, ClinGen allele CA3586385.